The following is an entry in ClinVar:

ClinVar aggregate classification (germline): Uncertain significance (1 of 4 stars; one submission).

Submission:

GeneDx
Classification: Uncertain significance. Last evaluated: 2022-10-05. Review status: criteria provided, single submitter. Criteria: GeneDx Variant Classification Process June 2021. Collection method: clinical testing. Allele origin: germline. Affected: yes.
Comment: Not observed at significant frequency in large population cohorts (gnomAD); Nonsense variant predicted to result in protein truncation or nonsense mediated decay in a gene or region of a gene for which loss of function is not a well-established mechanism of disease; Has not been previously published as pathogenic or benign to our knowledge.

NM_001378328.1(CELSR1):c.7805_7806delinsAA (p.Phe2602Ter)

Gene: CELSR1 (cadherin EGF LAG seven-pass G-type receptor 1; minus strand). Cytogenetic location: 22q13.31.
Variant type: Indel.
Coding change: c.7805_7806delinsAA on transcript NM_001378328.1 (MANE Select); coding-DNA positions 7805 to 7806, TC replaced by AA.
Protein change: p.Phe2602Ter; replaces phenylalanine 2602 with a stop codon.
Molecular consequence: nonsense.
Genome position (GRCh38, 1-based): chr22:46,369,758-46,369,759, GA replaced by TT on the plus strand (TC replaced by AA on the coding strand, the reverse complement: CELSR1 is on the minus strand). VCF-style: chr22-46369758-GA-TT. GRCh37 (hg19) VCF-style: chr22-46765655-GA-TT.
Other names: c.7805_7806delinsAA, p.Phe2602Ter (NM_014246.4); short protein forms F2602*.
Identifiers: ClinVar variation 2499853 (VCV002499853.1), dbSNP rs2518270323, ClinGen allele CA2580099889.